The following is an entry in ClinVar:

ClinVar aggregate classification (germline): Uncertain significance. Review status: criteria provided, multiple submitters, no conflicts (2 of 4 stars). 2 submissions from 2 submitters: Uncertain significance (2). Last evaluated 2025-10-06.

Conditions:
Inborn genetic diseases. Identifiers: MedGen C0950123, MeSH D030342.

Allele frequency attached by ClinVar (database versions not stated): gnomAD exomes 0.00001; TOPMed 0.00001.
gnomAD v4.1: 11 of 1,595,588 alleles (0.00069%); highest among the groups gnomAD compares: Non-Finnish European, 0.00094%; no homozygotes.

Submissions (2):

Labcorp Genetics (formerly Invitae), Labcorp
Classification: Uncertain significance. Last evaluated: 2025-10-06. Review status: criteria provided, single submitter. Criteria: Invitae Variant Classification Sherloc (09022015). Collection method: clinical testing. Allele origin: germline.
Comment: This sequence change replaces isoleucine, which is neutral and non-polar, with valine, which is neutral and non-polar, at codon 109 of the AP3D1 protein (p.Ile109Val). The frequency data for this variant in the population databases is considered unreliable, as metrics indicate poor data quality at this position in the gnomAD database. This variant has not been reported in the literature in individuals affected with AP3D1-related conditions. ClinVar contains an entry for this variant (Variation ID: 2232669). An algorithm developed to predict the effect of missense changes on protein structure and function (PolyPhen-2) suggests that this variant is likely to be tolerated. In summary, the available evidence is currently insufficient to determine the role of this variant in disease. Therefore, it has been classified as a Variant of Uncertain Significance.

Ambry Genetics
Classification: Uncertain significance for Inborn genetic diseases. Last evaluated: 2021-06-11. Review status: criteria provided, single submitter. Criteria: Ambry Variant Classification Scheme 2023. Collection method: clinical testing. Allele origin: germline.

NM_001261826.3(AP3D1):c.325A>G (p.Ile109Val)

Gene: AP3D1 (adaptor related protein complex 3 subunit delta 1; minus strand). Cytogenetic location: 19p13.3.
Variant type: single nucleotide variant.
Coding change: c.325A>G on transcript NM_001261826.3 (MANE Select); coding-DNA position 325, A replaced by G.
Protein change: p.Ile109Val; replaces isoleucine 109 with valine.
Molecular consequence: missense variant.
Genome position (GRCh38, 1-based): chr19:2,137,040, T>C on the plus strand (A>G on the coding strand, the complement: AP3D1 is on the minus strand). VCF-style: chr19-2137040-T-C. GRCh37 (hg19) VCF-style: chr19-2137039-T-C.
Other names: c.325A>G, p.Ile109Val (NM_001374799.1, NM_003938.8); short protein forms I109V.
Identifiers: ClinVar variation 2232669 (VCV002232669.4), dbSNP rs1477102718, ClinGen allele CA403230608.